The following is an entry in ClinVar:

NM_017433.5(MYO3A):c.3409G>A (p.Val1137Met)

Gene: MYO3A (myosin IIIA; plus strand). Cytogenetic location: 10p12.1.
Variant type: single nucleotide variant.
Coding change: c.3409G>A on transcript NM_017433.5 (MANE Select); coding-DNA position 3409, G replaced by A.
Protein change: p.Val1137Met; replaces valine 1137 with methionine.
Molecular consequence: missense variant.
Genome position (GRCh38, 1-based): chr10:26,173,673, G>A. VCF-style: chr10-26173673-G-A. GRCh37 (hg19) VCF-style: chr10-26462602-G-A.
Other names: c.3409G>A (NM_017433.4); short protein forms V1137M.
Identifiers: ClinVar variation 2061283 (VCV002061283.6), dbSNP rs35449183, ClinGen allele CA5445266.

ClinVar aggregate classification (germline): Uncertain significance. Review status: criteria provided, multiple submitters, no conflicts (2 of 4 stars). 3 submissions from 3 submitters: Uncertain significance (3). Last evaluated 2025-12-29.

Conditions:
Inborn genetic diseases. Identifiers: MedGen C0950123, MeSH D030342.

Allele frequency attached by ClinVar (database versions not stated): ExAC 0.00006; ESP Exome Variant Server 0.00008; TOPMed 0.00009; gnomAD 0.00011; 1000 Genomes Project 0.00060; 1000 Genomes Project 30x 0.00062.
gnomAD v4.1: 74 of 1,613,156 alleles (0.0046%); highest among the groups gnomAD compares: East Asian, 0.058%; no homozygotes.

Submissions (3):

Labcorp Genetics (formerly Invitae), Labcorp
Classification: Uncertain significance. Last evaluated: 2025-12-29. Review status: criteria provided, single submitter. Criteria: Invitae Variant Classification Sherloc (09022015). Collection method: clinical testing. Allele origin: germline.
Comment: This sequence change replaces valine, which is neutral and non-polar, with methionine, which is neutral and non-polar, at codon 1137 of the MYO3A protein (p.Val1137Met). This variant is present in population databases (rs35449183, gnomAD 0.1%). This variant has not been reported in the literature in individuals affected with MYO3A-related conditions. ClinVar contains an entry for this variant (Variation ID: 2061283). Invitae Evidence Modeling of protein sequence and biophysical properties (such as structural, functional, and spatial information, amino acid conservation, physicochemical variation, residue mobility, and thermodynamic stability) indicates that this missense variant is not expected to disrupt MYO3A protein function with a negative predictive value of 80%. In summary, the available evidence is currently insufficient to determine the role of this variant in disease. Therefore, it has been classified as a Variant of Uncertain Significance.

Ambry Genetics
Classification: Uncertain significance for Inborn genetic diseases. Last evaluated: 2025-08-30. Review status: criteria provided, single submitter. Criteria: Ambry Variant Classification Scheme 2023. Collection method: clinical testing. Allele origin: germline.

GeneDx
Classification: Uncertain significance. Last evaluated: 2024-10-03. Review status: criteria provided, single submitter. Criteria: GeneDx Variant Classification Process June 2021. Collection method: clinical testing. Allele origin: germline. Affected: yes.
Comment: In silico analysis indicates that this missense variant does not alter protein structure/function; Has not been previously published as pathogenic or benign to our knowledge